The following is an entry in ClinVar:

NM_000282.4(PCCA):c.1558A>G (p.Ser520Gly)

Gene: PCCA (propionyl-CoA carboxylase subunit alpha; plus strand). Cytogenetic location: 13q32.3.
Variant type: single nucleotide variant.
Coding change: c.1558A>G on transcript NM_000282.4 (MANE Select); coding-DNA position 1558, A replaced by G.
Protein change: p.Ser520Gly; replaces serine 520 with glycine.
Molecular consequence: missense variant. On other transcripts: non-coding transcript variant (5).
Genome position (GRCh38, 1-based): chr13:100,340,174, A>G. VCF-style: chr13-100340174-A-G. GRCh37 (hg19) VCF-style: chr13-100992428-A-G.
Other names: c.1480A>G, p.Ser494Gly (NM_001127692.3, NM_001352607.2); c.1558A>G, p.Ser520Gly (NM_001178004.2, NM_001352605.2, NM_001352609.2); c.1414A>G, p.Ser472Gly (NM_001352606.2); c.1336A>G, p.Ser446Gly (NM_001352608.2); c.613A>G, p.Ser205Gly (NM_001352610.2, NM_001352611.2); c.469A>G, p.Ser157Gly (NM_001352612.2); short protein forms S157G, S205G, S446G, S472G, S494G, S520G.
Identifiers: ClinVar variation 1302686 (VCV001302686.2), dbSNP rs112237881, ClinGen allele CA388696328.
Genomic context (GRCh38, chr13:100,340,174, plus strand): 5'-AATAAATGATTGATTGATTGATTGGTTGATTGATTTCCCTCAGGACACATGCTAACCAAG[A>G]GTGAGAAGAACCAGTTATTGGCAATAGCATCATCATTGTTTGTGGCATTCCAGTTAAGAG-3'
Protein context (NP_000273.2, residues 510-530): DGFKGHMLTK[Ser520Gly]EKNQLLAIAS

ClinVar aggregate classification (germline): Uncertain significance (1 of 4 stars; one submission).

gnomAD v4.1: 1 of 1,597,172 alleles (0.000063%); highest among the groups gnomAD compares: South Asian, 0.0011%; no homozygotes.

Submission:

GeneDx
Classification: Uncertain significance. Last evaluated: 2019-04-30. Review status: criteria provided, single submitter. Criteria: GeneDx Variant Classification Process June 2021. Collection method: clinical testing. Allele origin: germline. Affected: yes.
Comment: Has not been previously published as pathogenic or benign to our knowledge; Not observed at a significant frequency in large population cohorts (Lek et al., 2016); In silico analysis, which includes protein predictors and evolutionary conservation, supports that this variant does not alter protein structure/function; In silico splice predictors suggest this variant may lead to abnormal gene splicing. In the absence of RNA/functional studies, the actual effect of this sequence change is unknown.